The following is an entry in ClinVar:

ClinVar aggregate classification (germline): Uncertain significance (1 of 4 stars; one submission).

Submission:

GeneDx
Classification: Uncertain significance. Last evaluated: 2025-02-06. Review status: criteria provided, single submitter. Criteria: GeneDx Variant Classification Process June 2021. Collection method: clinical testing. Allele origin: germline. Affected: yes.
Comment: Not observed at significant frequency in large population cohorts (gnomAD); In silico analysis supports that this missense variant has a deleterious effect on protein structure/function; Has not been previously published as pathogenic or benign to our knowledge; This variant is associated with the following publications: (PMID: 20619386)

NM_005188.4(CBL):c.1465C>T (p.Pro489Ser)

Gene: CBL (Cbl proto-oncogene; plus strand). Cytogenetic location: 11q23.3.
Variant type: single nucleotide variant.
Coding change: c.1465C>T on transcript NM_005188.4 (MANE Select); coding-DNA position 1465, C replaced by T.
Protein change: p.Pro489Ser; replaces proline 489 with serine.
Molecular consequence: missense variant.
Genome position (GRCh38, 1-based): chr11:119,285,002, C>T. VCF-style: chr11-119285002-C-T. GRCh37 (hg19) VCF-style: chr11-119155712-C-T.
Other names: short protein forms P489S.
Identifiers: ClinVar variation 4074583 (VCV004074583.1).